The following is an entry in ClinVar:

ClinVar aggregate classification (germline): Uncertain significance. Review status: criteria provided, multiple submitters, no conflicts (2 of 4 stars). 2 submissions from 2 submitters: Uncertain significance (2). Last evaluated 2022-03-10.

Conditions:
Charcot-Marie-Tooth disease axonal type 2S. Also called: CHARCOT-MARIE-TOOTH NEUROPATHY, TYPE 2S; CHARCOT-MARIE-TOOTH DISEASE, AXONAL, AUTOSOMAL RECESSIVE, TYPE 2S. Identifiers: Orphanet 443073, MedGen C4015349, MONDO:0014511, OMIM 616155.
Autosomal recessive distal spinal muscular atrophy 1. Also called: SPINAL MUSCULAR ATROPHY, DIAPHRAGMATIC; Spinal muscular atrophy with respiratory distress 1; HMN VI; NEURONOPATHY, DISTAL HEREDITARY MOTOR, HARDING TYPE VI; NEUROPATHY, DISTAL HEREDITARY MOTOR, AUTOSOMAL RECESSIVE 1; NEURONOPATHY, SEVERE INFANTILE AXONAL, WITH RESPIRATORY FAILURE. Identifiers: Orphanet 98920, MedGen C1858517, MONDO:0011436, OMIM 604320.

gnomAD v4.1: 8 of 1,614,052 alleles (0.0005%); highest among the groups gnomAD compares: Admixed American, 0.0017%; no homozygotes.

Submissions (2):

Labcorp Genetics (formerly Invitae), Labcorp
Classification: Uncertain significance for Autosomal recessive distal spinal muscular atrophy 1; Charcot-Marie-Tooth disease axonal type 2S. Last evaluated: 2022-03-10. Review status: criteria provided, single submitter. Criteria: Invitae Variant Classification Sherloc (09022015). Collection method: clinical testing. Allele origin: germline.
Comment: This sequence change replaces arginine, which is basic and polar, with tryptophan, which is neutral and slightly polar, at codon 62 of the IGHMBP2 protein (p.Arg62Trp). This variant is not present in population databases (gnomAD no frequency). This variant has not been reported in the literature in individuals affected with IGHMBP2-related conditions. ClinVar contains an entry for this variant (Variation ID: 1310770). Algorithms developed to predict the effect of missense changes on protein structure and function are either unavailable or do not agree on the potential impact of this missense change (SIFT: "Deleterious"; PolyPhen-2: "Probably Damaging"; Align-GVGD: "Class C0"). In summary, the available evidence is currently insufficient to determine the role of this variant in disease. Therefore, it has been classified as a Variant of Uncertain Significance.

GeneDx
Classification: Uncertain significance. Last evaluated: 2019-12-06. Review status: criteria provided, single submitter. Criteria: GeneDx Variant Classification Process June 2021. Collection method: clinical testing. Allele origin: germline. Affected: yes.
Comment: Not observed in large population cohorts (Lek et al., 2016); In silico analysis, which includes protein predictors and evolutionary conservation, supports a deleterious effect; Has not been previously published as pathogenic or benign to our knowledge

NM_002180.3(IGHMBP2):c.184C>T (p.Arg62Trp)

Gene: IGHMBP2 (immunoglobulin mu DNA binding protein 2; plus strand). Cytogenetic location: 11q13.3.
Variant type: single nucleotide variant.
Coding change: c.184C>T on transcript NM_002180.3 (MANE Select); coding-DNA position 184, C replaced by T.
Protein change: p.Arg62Trp; replaces arginine 62 with tryptophan.
Molecular consequence: missense variant.
Genome position (GRCh38, 1-based): chr11:68,906,166, C>T. VCF-style: chr11-68906166-C-T. GRCh37 (hg19) VCF-style: chr11-68673634-C-T.
Other names: short protein forms R62W.
Identifiers: ClinVar variation 1310770 (VCV001310770.6), dbSNP rs768631087, ClinGen allele CA381642421.